The following is an entry in ClinVar:

ClinVar aggregate classification (germline): Uncertain significance. Review status: criteria provided, multiple submitters, no conflicts (2 of 4 stars). 2 submissions from 2 submitters: Uncertain significance (2). Last evaluated 2023-10-29.

Allele frequency attached by ClinVar (database versions not stated): TOPMed below 0.00001; gnomAD 0.00001; gnomAD exomes 0.00001.
gnomAD v4.1: 11 of 1,613,778 alleles (0.00068%); highest among the groups gnomAD compares: Non-Finnish European, 0.00085%; no homozygotes.

Submissions (2):

Labcorp Genetics (formerly Invitae), Labcorp
Classification: Uncertain significance. Last evaluated: 2023-10-29. Review status: criteria provided, single submitter. Criteria: Invitae Variant Classification Sherloc (09022015). Collection method: clinical testing. Allele origin: germline.
Comment: This sequence change replaces proline, which is neutral and non-polar, with serine, which is neutral and polar, at codon 82 of the RIMS1 protein (p.Pro82Ser). This variant is not present in population databases (gnomAD no frequency). This variant has not been reported in the literature in individuals affected with RIMS1-related conditions. ClinVar contains an entry for this variant (Variation ID: 1958106). An algorithm developed to predict the effect of missense changes on protein structure and function (PolyPhen-2) suggests that this variant is likely to be tolerated. In summary, the available evidence is currently insufficient to determine the role of this variant in disease. Therefore, it has been classified as a Variant of Uncertain Significance.

Ambry Genetics
Classification: Uncertain significance. Last evaluated: 2022-11-21. Review status: criteria provided, single submitter. Criteria: Ambry Variant Classification Scheme 2023. Collection method: clinical testing. Allele origin: germline.

NM_014989.7(RIMS1):c.244C>T (p.Pro82Ser)

Gene: RIMS1 (regulating synaptic membrane exocytosis 1; plus strand). Cytogenetic location: 6q13.
Variant type: single nucleotide variant.
Coding change: c.244C>T on transcript NM_014989.7 (MANE Select); coding-DNA position 244, C replaced by T.
Protein change: p.Pro82Ser; replaces proline 82 with serine.
Molecular consequence: missense variant. On other transcripts: intron variant (1).
Genome position (GRCh38, 1-based): chr6:71,969,062, C>T. VCF-style: chr6-71969062-C-T. GRCh37 (hg19) VCF-style: chr6-72678765-C-T.
Other names: c.244C>T, p.Pro82Ser (NM_001350411.1, NM_001350413.1); c.164+81875C>T (NM_001350412.1); short protein forms P82S.
Identifiers: ClinVar variation 1958106 (VCV001958106.6), dbSNP rs1353471132, ClinGen allele CA364818191.